The following is an entry in ClinVar:

ClinVar aggregate classification (germline): Uncertain significance. Review status: criteria provided, multiple submitters, no conflicts (2 of 4 stars). 4 submissions from 4 submitters: Uncertain significance (4). Last evaluated 2025-10-08.

Conditions:
Hereditary nonpolyposis colorectal neoplasms. Identifiers: MedGen C0009405, MeSH D003123.
Hereditary cancer-predisposing syndrome. Also called: Neoplastic Syndromes, Hereditary; Tumor predisposition; Hereditary Cancer Syndrome; Hereditary neoplastic syndrome. Identifiers: Orphanet 140162, MedGen C0027672, MeSH D009386, MONDO:0015356.
Lynch syndrome 4 (LYNCH4). Also called: Colorectal cancer, hereditary nonpolyposis, type 4; Hereditary non-polyposis colorectal cancer, type 4. Identifiers: Orphanet 144, MedGen C1838333, MONDO:0013699, OMIM 614337. Disease mechanism: loss of function.

Submissions (4):

Ambry Genetics
Classification: Uncertain significance for Hereditary cancer-predisposing syndrome. Last evaluated: 2025-10-08. Review status: criteria provided, single submitter. Criteria: Ambry Variant Classification Scheme 2023. Collection method: clinical testing. Allele origin: germline.
Comment: The p.A659T variant (also known as c.1975G>A), located in coding exon 11 of the PMS2 gene, results from a G to A substitution at nucleotide position 1975. The alanine at codon 659 is replaced by threonine, an amino acid with similar properties. This amino acid position is highly conserved through mammals but not in lower vertebrate species. In addition, this alteration is predicted to be tolerated by in silico analysis. Based on the available evidence, the clinical significance of this variant remains unclear.

Labcorp Genetics (formerly Invitae), Labcorp
Classification: Uncertain significance for Hereditary nonpolyposis colorectal neoplasms. Last evaluated: 2024-07-01. Review status: criteria provided, single submitter. Criteria: Invitae Variant Classification Sherloc (09022015). Collection method: clinical testing. Allele origin: germline.
Comment: This sequence change replaces alanine, which is neutral and non-polar, with threonine, which is neutral and polar, at codon 659 of the PMS2 protein (p.Ala659Thr). This variant is not present in population databases (gnomAD no frequency). This variant has not been reported in the literature in individuals affected with PMS2-related conditions. ClinVar contains an entry for this variant (Variation ID: 186625). Advanced modeling of protein sequence and biophysical properties (such as structural, functional, and spatial information, amino acid conservation, physicochemical variation, residue mobility, and thermodynamic stability) performed at Invitae indicates that this missense variant is not expected to disrupt PMS2 protein function with a negative predictive value of 80%. In summary, the available evidence is currently insufficient to determine the role of this variant in disease. Therefore, it has been classified as a Variant of Uncertain Significance.

Color Diagnostics, LLC DBA Color Health
Classification: Uncertain significance for Hereditary cancer-predisposing syndrome. Last evaluated: 2024-03-06. Review status: criteria provided, single submitter. Criteria: ACMG Guidelines, 2015. Collection method: clinical testing. Allele origin: germline.
Comment: This missense variant replaces alanine with threonine at codon 659 of the PMS2 protein. Computational prediction suggests that this variant may not impact protein structure and function (internally defined REVEL score threshold <= 0.5, PMID: 27666373). To our knowledge, functional studies have not been reported for this variant. This variant has not been reported in individuals affected with hereditary cancer in the literature. This variant has not been identified in the general population by the Genome Aggregation Database (gnomAD). The available evidence is insufficient to determine the role of this variant in disease conclusively. Therefore, this variant is classified as a Variant of Uncertain Significance.

Baylor Genetics
Classification: Uncertain significance for Lynch syndrome 4. Last evaluated: 2023-05-18. Review status: criteria provided, single submitter. Criteria: ACMG Guidelines, 2015. Collection method: clinical testing. Allele origin: unknown.

NM_000535.7(PMS2):c.1975G>A (p.Ala659Thr)

Gene: PMS2 (PMS1 homolog 2, mismatch repair system component; minus strand). Cytogenetic location: 7p22.1.
Variant type: single nucleotide variant.
Coding change: c.1975G>A on transcript NM_000535.7 (MANE Select); coding-DNA position 1975, G replaced by A.
Protein change: p.Ala659Thr; replaces alanine 659 with threonine.
Molecular consequence: missense variant. On other transcripts: non-coding transcript variant (1).
Genome position (GRCh38, 1-based): chr7:5,986,790, C>T on the plus strand (G>A on the coding strand, the complement: PMS2 is on the minus strand). VCF-style: chr7-5986790-C-T. GRCh37 (hg19) VCF-style: chr7-6026421-C-T.
Other names: c.1570G>A, p.Ala524Thr (NM_001322003.2, NM_001322004.2, NM_001322005.2 and 1 more transcripts); c.1819G>A, p.Ala607Thr (NM_001322006.2); c.1657G>A, p.Ala553Thr (NM_001322007.2, NM_001322008.2); c.1414G>A, p.Ala472Thr (NM_001322010.2); c.1042G>A, p.Ala348Thr (NM_001322011.2, NM_001322012.2); c.1402G>A, p.Ala468Thr (NM_001322013.2); c.1975G>A, p.Ala659Thr (NM_001322014.2); c.1666G>A, p.Ala556Thr (NM_001322015.2); short protein forms A659T, A524T, A348T, A468T, A553T, A607T, A472T, A556T.
Identifiers: ClinVar variation 186625 (VCV000186625.19), dbSNP rs786203095, ClinGen allele CA010568.